The following is an entry in ClinVar:

ClinVar aggregate classification (germline): Uncertain significance (1 of 4 stars; one submission).

Submission:

Greenwood Genetic Center Diagnostic Laboratories, Greenwood Genetic Center
Classification: Uncertain significance. Last evaluated: 2022-04-27. Review status: criteria provided, single submitter. Criteria: ACMG Guidelines, 2015. Collection method: clinical testing. Allele origin: germline. Affected: yes.
Comment: PM2 PP3

NM_173495.3(PTCHD1):c.116T>A (p.Leu39His)

Gene: PTCHD1 (patched domain containing 1; plus strand). Cytogenetic location: Xp22.11.
Variant type: single nucleotide variant.
Coding change: c.116T>A on transcript NM_173495.3 (MANE Select); coding-DNA position 116, T replaced by A.
Protein change: p.Leu39His; replaces leucine 39 with histidine.
Molecular consequence: missense variant.
Genome position (GRCh38, 1-based): chrX:23,334,991, T>A. VCF-style: chrX-23334991-T-A. GRCh37 (hg19) VCF-style: chrX-23353108-T-A.
Other names: short protein forms L39H.
Identifiers: ClinVar variation 1703167 (VCV001703167.3), dbSNP rs2518737523, ClinGen allele CA412578966.